The following is an entry in ClinVar:

ClinVar aggregate classification (germline): Uncertain significance (1 of 4 stars; one submission).

Conditions:
LAMA2-related muscular dystrophy (LAMA2-RD). Also called: Laminin alpha 2-related dystrophy. Identifiers: MedGen C5679788, MONDO:0100228.

Submission:

Labcorp Genetics (formerly Invitae), Labcorp
Classification: Uncertain significance for LAMA2-related muscular dystrophy. Last evaluated: 2021-11-19. Review status: criteria provided, single submitter. Criteria: Invitae Variant Classification Sherloc (09022015). Collection method: clinical testing. Allele origin: germline.
Comment: In summary, the available evidence is currently insufficient to determine the role of this variant in disease. Therefore, it has been classified as a Variant of Uncertain Significance. Advanced modeling of protein sequence and biophysical properties (such as structural, functional, and spatial information, amino acid conservation, physicochemical variation, residue mobility, and thermodynamic stability) performed at Invitae indicates that this missense variant is not expected to disrupt LAMA2 protein function. This variant has not been reported in the literature in individuals affected with LAMA2-related conditions. This variant is not present in population databases (gnomAD no frequency). This sequence change replaces valine, which is neutral and non-polar, with methionine, which is neutral and non-polar, at codon 2700 of the LAMA2 protein (p.Val2700Met).

NM_000426.4(LAMA2):c.8098G>A (p.Val2700Met)

Gene: LAMA2 (laminin subunit alpha 2; plus strand). Cytogenetic location: 6q22.33.
Variant type: single nucleotide variant.
Coding change: c.8098G>A on transcript NM_000426.4 (MANE Select); coding-DNA position 8098, G replaced by A.
Protein change: p.Val2700Met; replaces valine 2700 with methionine.
Molecular consequence: missense variant.
Genome position (GRCh38, 1-based): chr6:129,492,337, G>A. VCF-style: chr6-129492337-G-A. GRCh37 (hg19) VCF-style: chr6-129813482-G-A.
Other names: c.8086G>A, p.Val2696Met (NM_001079823.2); short protein forms V2700M, V2696M.
Identifiers: ClinVar variation 1494037 (VCV001494037.6), dbSNP rs1784912982, ClinGen allele CA365631326.
Genomic context (GRCh38, chr6:129,492,337, plus strand): 5'-ACGAAAATAAAAAAATCTTATTTATTACATTCTATTAGCCCCATGGACTTTGCAAGGCCT[G>A]TGTCCTTCAAAAATGCTGACATTGGTCGCTGTGCCCATCAGAAACTCCGTGAAGATGAAG-3'
Protein context (NP_000417.3, residues 2690-2710): NSVPMDFARP[Val2700Met]SFKNADIGRC